The following is an entry in ClinVar:

ClinVar aggregate classification (germline): Uncertain significance (1 of 4 stars; one submission).

Submission:

GeneDx
Classification: Uncertain significance. Last evaluated: 2026-03-30. Review status: criteria provided, single submitter. Criteria: GeneDx Variant Classification Process June 2021. Collection method: clinical testing. Allele origin: germline.
Comment: Not observed at significant frequency in large population cohorts (gnomAD); In silico analysis suggests that this missense variant does not alter protein structure/function; Has not been previously published as pathogenic or benign to our knowledge

NM_001256071.3(RNF213):c.2502G>C (p.Lys834Asn)

Gene: RNF213 (ring finger protein 213; plus strand). Cytogenetic location: 17q25.3.
Variant type: single nucleotide variant.
Coding change: c.2502G>C on transcript NM_001256071.3 (MANE Select); coding-DNA position 2502, G replaced by C.
Protein change: p.Lys834Asn; replaces lysine 834 with asparagine.
Molecular consequence: missense variant.
Genome position (GRCh38, 1-based): chr17:80,309,018, G>C. VCF-style: chr17-80309018-G-C. GRCh37 (hg19) VCF-style: chr17-78282818-G-C.
Other names: c.2649G>C, p.Lys883Asn (NM_001410195.1, NM_020914.5); c.2502G>C, p.Lys834Asn (NM_020954.4); short protein forms K834N, K883N.
Identifiers: ClinVar variation 5017885 (VCV005017885.1).